The following is an entry in ClinVar:

ClinVar aggregate classification (germline): Uncertain significance. Review status: criteria provided, multiple submitters, no conflicts (2 of 4 stars). 2 submissions from 2 submitters: Uncertain significance (2). Last evaluated 2022-09-01.

Conditions:
46 XY differences of sex development. Also called: 46,XY disorder of sex development; 46, XY disorder of sex development (DSD). Identifiers: Orphanet 98085, MedGen C2751824, MONDO:0020040.
Oligosynaptic infertility (SPGF1). Also called: OLIGOCHIASMATIC INFERTILITY; SPERMATOGENIC FAILURE 1. Identifiers: MedGen C0403810, MONDO:0009776, OMIM 258150.
46,XY sex reversal 3. Also called: 46,XY GONADAL DYSGENESIS, PARTIAL OR COMPLETE, WITH OR WITHOUT ADRENAL FAILURE; DISORDER OF SEX DEVELOPMENT, 46,XY, NR5A1-RELATED; NR5A1-related 46,XY complete gonadal dysgenesis; SEX REVERSAL, XY, WITH OR WITHOUT ADRENAL FAILURE; 46,XY SEX REVERSAL, PARTIAL OR COMPLETE, NR5A1-RELATED. Identifiers: MedGen C3489793, MONDO:0013066, OMIM 612965.

Submissions (2):

3billion
Classification: Uncertain significance for 46,XY sex reversal 3. Last evaluated: 2022-09-01. Review status: criteria provided, single submitter. Criteria: ACMG Guidelines, 2015. Collection method: clinical testing. Allele origin: germline. Affected: yes. Observed: 1 heterozygote.
Comment: The variant is not observed in the gnomAD v2.1.1 dataset. In silico tools predict the variant to alter splicing and produce an abnormal transcript (SpliceAI: 0.93). Therefore, this variant is classified as uncertain significance according to the recommendation of ACMG/AMP guideline.

Labcorp Genetics (formerly Invitae), Labcorp
Classification: Uncertain significance for 46 XY differences of sex development; Oligosynaptic infertility. Last evaluated: 2019-07-12. Review status: criteria provided, single submitter. Criteria: Invitae Variant Classification Sherloc (09022015). Collection method: clinical testing. Allele origin: germline.
Comment: This sequence change falls in intron 6 of the NR5A1 gene. It does not directly change the encoded amino acid sequence of the NR5A1 protein, but it affects a nucleotide within the consensus splice site of the intron. This variant is not present in population databases (ExAC no frequency). This variant has not been reported in the literature in individuals with NR5A1-related conditions. Nucleotide substitutions within the consensus splice site are a relatively common cause of aberrant splicing (PMID: 17576681, 9536098). Algorithms developed to predict the effect of sequence changes on RNA splicing suggest that this variant may disrupt the consensus splice site, but this prediction has not been confirmed by published transcriptional studies. In summary, the available evidence is currently insufficient to determine the role of this variant in disease. Therefore, it has been classified as a Variant of Uncertain Significance.

Literature cited by the submitters: PubMed 17576681 (cited by Labcorp Genetics (formerly Invitae), Labcorp); PubMed 9536098 (cited by Labcorp Genetics (formerly Invitae), Labcorp).

NM_004959.5(NR5A1):c.1138+5G>A

Gene: NR5A1 (nuclear receptor subfamily 5 group A member 1; minus strand). Cytogenetic location: 9q33.3.
Variant type: single nucleotide variant.
Coding change: c.1138+5G>A on transcript NM_004959.5 (MANE Select); 5 bases into the intron after coding-DNA position 1138, G replaced by A.
Molecular consequence: intron variant.
Genome position (GRCh38, 1-based): chr9:124,491,076, C>T on the plus strand (G>A on the coding strand, the complement: NR5A1 is on the minus strand). VCF-style: chr9-124491076-C-T. GRCh37 (hg19) VCF-style: chr9-127253355-C-T.
Identifiers: ClinVar variation 941517 (VCV000941517.9), dbSNP rs1832300085, ClinGen allele CA1139661160.